The following is an entry in ClinVar:

NM_000548.5(TSC2):c.5417_5418del (p.Phe1806fs)

Gene: TSC2 (TSC complex subunit 2; plus strand). Cytogenetic location: 16p13.3.
Variant type: Deletion.
Coding change: c.5417_5418del on transcript NM_000548.5 (MANE Select); coding-DNA positions 5417 to 5418, 2 bases deleted (TT; older notation c.5417_5418delTT).
Protein change: p.Phe1806fs; shifts the reading frame from phenylalanine 1806.
Molecular consequence: frameshift variant. On other transcripts: non-coding transcript variant (5).
Genome position (GRCh38, 1-based): chr16:2,088,603-2,088,604, TT deleted; deleting any 2 consecutive bases within chr16:2,088,602-2,088,604 gives the same sequence; the c. name uses the placement nearest the transcript's 3' end. VCF-style (leftmost placement, unchanged base first): chr16-2088601-GTT-G. GRCh37 (hg19) VCF-style: chr16-2138602-GTT-G.
Other names: c.5216_5217del, p.Phe1739fs (NM_001077183.3); c.5348_5349del, p.Phe1783fs (NM_001114382.3); c.5108_5109del, p.Phe1703fs (NM_001318827.2); c.5072_5073del, p.Phe1691fs (NM_001318829.2); c.4685_4686del, p.Phe1562fs (NM_001318831.2); c.5249_5250del, p.Phe1750fs (NM_001318832.2); c.5219_5220del, p.Phe1740fs (NM_001363528.2); c.5201_5202del, p.Phe1734fs (NM_001406675.1); and 27 more; short protein forms F1582fs, F1606fs, F1702fs, F1735fs, F1759fs, F1770fs, F1291fs, F1314fs.
Identifiers: ClinVar variation 2993538 (VCV002993538.4), dbSNP rs2544521795, ClinGen allele CA2740096844.

ClinVar aggregate classification (germline): Conflicting classifications of pathogenicity. Review status: criteria provided, conflicting classifications (1 of 4 stars). 2 submissions from 2 submitters: Likely pathogenic (1); Uncertain significance (1). Last evaluated 2024-02-22.

Conditions:
Tuberous sclerosis 2 (TSC2). Identifiers: Orphanet 805, MedGen C1860707, MONDO:0013199, OMIM 613254.

Submissions (2):

Myriad Genetics, Inc.
Classification: Likely pathogenic for Tuberous sclerosis 2. Last evaluated: 2024-02-22. Review status: criteria provided, single submitter. Criteria: Myriad Autosomal Dominant, Autosomal Recessive and X-Linked Classification Criteria (2023). Collection method: clinical testing. Allele origin: unknown.
Comment: This variant is considered likely pathogenic. This variant creates a frameshift predicted to result in the incorporation of abnormal amino acid sequence into the protein product and abnormal protein elongation. This variant has been reported in multiple individuals with clinical features of gene-specific disease [PMID: 11781698, 23389244, 27859028]. Functional studies indicate this variant impacts protein function [PMID: 11781698].

Labcorp Genetics (formerly Invitae), Labcorp
Classification: Uncertain significance for Tuberous sclerosis 2. Last evaluated: 2022-11-03. Review status: criteria provided, single submitter. Criteria: Invitae Variant Classification Sherloc (09022015). Collection method: clinical testing. Allele origin: germline.
Comment: In summary, the available evidence is currently insufficient to determine the role of this variant in disease. Therefore, it has been classified as a Variant of Uncertain Significance. This variant disrupts the C-terminus of the TSC2 protein. Other variant(s) that disrupt this region (p.*1808Argext*?) have been observed in individuals with TSC2-related conditions (PMID: 11781698; Invitae). This suggests that this may be a clinically significant region of the protein. Experimental studies and prediction algorithms are not available or were not evaluated, and the functional significance of this variant is currently unknown. This variant has not been reported in the literature in individuals affected with TSC2-related conditions. This variant is not present in population databases (gnomAD no frequency). This sequence change results in a frameshift in the TSC2 gene (p.Phe1806Cysfs*?). While this is not anticipated to result in nonsense mediated decay, it is expected to disrupt the last 2 amino acid(s) of the TSC2 protein and extend the protein by an uncertain number of additional amino acid residues.

Literature cited by the submitters: PubMed 11781698 (cited by Myriad Genetics, Inc. and Labcorp Genetics (formerly Invitae), Labcorp); PubMed 23389244 (cited by Myriad Genetics, Inc.); PubMed 27859028 (cited by Myriad Genetics, Inc.).